The following is an entry in ClinVar:

ClinVar aggregate classification (germline): Uncertain significance (1 of 4 stars; one submission).

Conditions:
Cardiomyopathy (CMYO). Also called: Cardiomyopathies. Identifiers: Orphanet 167848, MedGen C0878544, MONDO:0004994, HP:0001638. Inheritance: Various modes of inheritance.

gnomAD v4.1: 2 of 1,614,092 alleles (0.00012%); highest among the groups gnomAD compares: Non-Finnish European, 0.00017%; no homozygotes.

Submission:

Color Diagnostics, LLC DBA Color Health
Classification: Uncertain significance for Cardiomyopathy. Last evaluated: 2024-03-06. Review status: criteria provided, single submitter. Criteria: ACMG Guidelines, 2015. Collection method: clinical testing. Allele origin: germline.
Comment: This missense variant replaces alanine with aspartic acid at codon 553 of the PRKAG2 protein. Computational prediction suggests that this variant may have deleterious impact on protein structure and function (internally defined REVEL score threshold >= 0.7, PMID: 27666373). To our knowledge, functional studies have not been reported for this variant. This variant has not been reported in individuals affected with cardiovascular disorders in the literature. This variant has not been identified in the general population by the Genome Aggregation Database (gnomAD). The available evidence is insufficient to determine the role of this variant in disease conclusively. Therefore, this variant is classified as a Variant of Uncertain Significance.

NM_016203.4(PRKAG2):c.1658C>A (p.Ala553Asp)

Gene: PRKAG2 (protein kinase AMP-activated non-catalytic subunit gamma 2; minus strand). Cytogenetic location: 7q36.1.
Variant type: single nucleotide variant.
Coding change: c.1658C>A on transcript NM_016203.4 (MANE Select); coding-DNA position 1658, C replaced by A.
Protein change: p.Ala553Asp; replaces alanine 553 with aspartic acid.
Molecular consequence: missense variant.
Genome position (GRCh38, 1-based): chr7:151,560,544, G>T on the plus strand (C>A on the coding strand, the complement: PRKAG2 is on the minus strand). VCF-style: chr7-151560544-G-T. GRCh37 (hg19) VCF-style: chr7-151257630-G-T.
Other names: c.1526C>A, p.Ala509Asp (NM_001040633.2); c.1283C>A, p.Ala428Asp (NM_001304527.2); c.935C>A, p.Ala312Asp (NM_001304531.2, NM_024429.2); c.1286C>A, p.Ala429Asp (NM_001363698.2); short protein forms A312D, A428D, A429D, A509D, A553D.
Identifiers: ClinVar variation 1171417 (VCV001171417.3), dbSNP rs2150971447, ClinGen allele CA370070265.